The following is an entry in ClinVar:

ClinVar aggregate classification (germline): Likely pathogenic (1 of 4 stars; one submission).

Conditions:
Usher syndrome type 2A. Also called: USHER SYNDROME, TYPE IIA; RETINAL DISEASE IN USHER SYNDROME TYPE IIA, MODIFIER OF. Identifiers: Orphanet 231178, Orphanet 886, MedGen C1848634, MONDO:0010169, OMIM 276901.

Submission:

3billion
Classification: Likely pathogenic for Usher syndrome type 2A. Last evaluated: 2022-09-01. Review status: criteria provided, single submitter. Criteria: ACMG Guidelines, 2015. Collection method: clinical testing. Allele origin: germline. Affected: yes. Observed: 1 heterozygote.
Comment: The variant is not observed in the gnomAD v2.1.1 dataset. Canonical splice site is predicted to alter splicing and result in a loss or disruption of normal protein function. Multiple pathogenic loss-of-function variants are reported downstream of the variant. Therefore, this variant is classified as Likely pathogenic according to the recommendation of ACMG/AMP guideline.

NM_206933.4(USH2A):c.486-2A>C

Gene: USH2A (usherin; minus strand). Cytogenetic location: 1q41.
Variant type: single nucleotide variant.
Coding change: c.486-2A>C on transcript NM_206933.4 (MANE Select); the canonical splice acceptor site of the intron before coding-DNA position 486, A replaced by C.
Molecular consequence: splice acceptor variant.
Genome position (GRCh38, 1-based): chr1:216,418,681, T>G on the plus strand (A>C on the coding strand, the complement: USH2A is on the minus strand). VCF-style: chr1-216418681-T-G. GRCh37 (hg19) VCF-style: chr1-216592023-T-G.
Other names: c.486-2A>C (NM_007123.6).
Identifiers: ClinVar variation 1705501 (VCV001705501.1), dbSNP rs2527646544, ClinGen allele CA344902914.